The following is an entry in ClinVar:

ClinVar aggregate classification (germline): Benign/Likely benign. Review status: criteria provided, multiple submitters, no conflicts (2 of 4 stars). 8 submissions from 8 submitters: Benign (7); Likely benign (1). Last evaluated 2026-01-31.

Conditions:
Microcephalic osteodysplastic primordial dwarfism type II (MOPD2). Also called: MOPD II; OSTEODYSPLASTIC PRIMORDIAL DWARFISM, TYPE II; Microcephalic osteodysplastic primordial dwarfism with tooth abnormalities. Identifiers: Orphanet 2637, MedGen C0432246, MONDO:0008872, OMIM 210720.

Allele frequency attached by ClinVar (database versions not stated): gnomAD 0.00603 and 0.00644; ESP Exome Variant Server 0.00673; TOPMed 0.00697; gnomAD exomes 0.00312; ExAC 0.00365; 1000 Genomes Project 0.00459; 1000 Genomes Project 30x 0.00468.
gnomAD v4.1: 3,264 of 1,605,596 alleles (0.2%); highest among the groups gnomAD compares: African/African-American, 1.5%; 25 homozygotes.

Submissions (8):

Labcorp Genetics (formerly Invitae), Labcorp
Classification: Benign. Last evaluated: 2026-01-31. Review status: criteria provided, single submitter. Criteria: Invitae Variant Classification Sherloc (09022015). Collection method: clinical testing. Allele origin: germline.

Blueprint Genetics
Classification: Likely benign. Last evaluated: 2024-11-20. Review status: criteria provided, single submitter. Criteria: ACMG Guidelines, 2015. Collection method: clinical testing. Allele origin: germline.

ARUP Laboratories, Molecular Genetics and Genomics, ARUP Laboratories
Classification: Benign for Microcephalic osteodysplastic primordial dwarfism type II. Last evaluated: 2024-10-23. Review status: criteria provided, single submitter. Criteria: ARUP Molecular Germline Variant Investigation Process 2024. Collection method: clinical testing. Allele origin: germline.

Illumina Laboratory Services, Illumina
Classification: Benign for Microcephalic osteodysplastic primordial dwarfism type II. Last evaluated: 2018-01-12. Review status: criteria provided, single submitter. Criteria: ICSL Variant Classification Criteria 13 December 2019. Collection method: clinical testing. Allele origin: germline.
Comment: This variant was observed in the ICSL laboratory as part of a predisposition screen in an ostensibly healthy population. It had not been previously curated by ICSL or reported in the Human Gene Mutation Database (HGMD: prior to June 1st, 2018), and was therefore a candidate for classification through an automated scoring system. Utilizing variant allele frequency, disease prevalence and penetrance estimates, and inheritance mode, an automated score was calculated to assess if this variant is too frequent to cause the disease. Based on the score and internal cut-off values, a variant classified as benign is not then subjected to further curation. The score for this variant resulted in a classification of benign for this disease.

GeneDx
Classification: Benign. Last evaluated: 2015-04-18. Review status: criteria provided, single submitter. Criteria: GeneDx Variant Classification (06012015). Collection method: clinical testing. Allele origin: germline. Affected: yes.
Comment: This variant is considered likely benign or benign based on one or more of the following criteria: it is a conservative change, it occurs at a poorly conserved position in the protein, it is predicted to be benign by multiple in silico algorithms, and/or has population frequency not consistent with disease.

Eurofins Ntd Llc (ga)
Classification: Benign. Last evaluated: 2014-02-28. Review status: criteria provided, single submitter. Criteria: EGL Classification Definitions 2015. Collection method: clinical testing. Allele origin: germline.

Genetic Services Laboratory, University of Chicago
Classification: Benign. Last evaluated: 2013-02-08. Review status: criteria provided, single submitter. Criteria: ACMG Guidelines, 2007. Collection method: clinical testing. Allele origin: germline. Inheritance: Autosomal recessive inheritance.

Breakthrough Genomics
Classification: Benign. Review status: criteria provided, single submitter. Criteria: ACMG Guidelines, 2015. Collection method: not provided. Allele origin: germline. Inheritance: Autosomal recessive inheritance. Affected: yes.

NM_006031.6(PCNT):c.7656C>T (p.Arg2552=)

Gene: PCNT (pericentrin; plus strand). Cytogenetic location: 21q22.3.
Variant type: single nucleotide variant.
Coding change: c.7656C>T on transcript NM_006031.6 (MANE Select); coding-DNA position 7656, C replaced by T.
Protein change: p.Arg2552=; no amino-acid change (arginine 2552 retained).
Molecular consequence: synonymous variant.
Genome position (GRCh38, 1-based): chr21:46,428,556, C>T. VCF-style: chr21-46428556-C-T. GRCh37 (hg19) VCF-style: chr21-47848470-C-T.
Other names: c.7302C>T, p.Arg2434= (NM_001315529.2).
Identifiers: ClinVar variation 159662 (VCV000159662.25), dbSNP rs61735819, ClinGen allele CA173100.
Genomic context (GRCh38, chr21:46,428,556, plus strand): 5'-CCTGCAGAACCAGGAGAAGCTGCAGCACTTGCGCACGGCGCTGACAAGCGCAGAGGCGCG[C>T]GGGAGCCAGCAGGAGCACCAGCTGCGCAGGCAGGGTGGGTGTCACTGTCTACACTGCCTG-3'
Protein context (NP_006022.3, residues 2542-2562): LRTALTSAEA[Arg2552=]GSQQEHQLRR